The following is an entry in ClinVar:

NM_032119.4(ADGRV1):c.5722G>A (p.Asp1908Asn)

Gene: ADGRV1 (adhesion G protein-coupled receptor V1; plus strand). Cytogenetic location: 5q14.3.
Variant type: single nucleotide variant.
Coding change: c.5722G>A on transcript NM_032119.4 (MANE Select); coding-DNA position 5722, G replaced by A.
Protein change: p.Asp1908Asn; replaces aspartic acid 1908 with asparagine.
Molecular consequence: missense variant. On other transcripts: non-coding transcript variant (1).
Genome position (GRCh38, 1-based): chr5:90,683,643, G>A. VCF-style: chr5-90683643-G-A. GRCh37 (hg19) VCF-style: chr5-89979460-G-A.
Other names: c.5722G>A (NM_032119.3); short protein forms D1908N.
Identifiers: ClinVar variation 1052338 (VCV001052338.12), dbSNP rs757418364, ClinGen allele CA3339651.

ClinVar aggregate classification (germline): Conflicting classifications of pathogenicity. Review status: criteria provided, conflicting classifications (1 of 4 stars). 3 submissions from 3 submitters: Uncertain significance (2); Likely benign (1). Last evaluated 2025-11-27.

Allele frequency attached by ClinVar (database versions not stated): gnomAD 0.00001; TOPMed 0.00001; ExAC 0.00003; gnomAD exomes 0.00007 and 0.00003.
gnomAD v4.1: 103 of 1,612,808 alleles (0.0064%); highest among the groups gnomAD compares: Non-Finnish European, 0.0087%; no homozygotes.

Submissions (3):

Labcorp Genetics (formerly Invitae), Labcorp
Classification: Likely benign. Last evaluated: 2025-11-27. Review status: criteria provided, single submitter. Criteria: Invitae Variant Classification Sherloc (09022015). Collection method: clinical testing. Allele origin: germline.

GeneDx
Classification: Uncertain significance. Last evaluated: 2025-05-15. Review status: criteria provided, single submitter. Criteria: GeneDx Variant Classification Process June 2021. Collection method: clinical testing. Allele origin: germline.
Comment: Reported without a second variant in a patient with epilepsy and/or myoclonic seizures in published literature; the variant was noted to be maternally inherited (PMID: 29266188); Not observed at significant frequency in large population cohorts (gnomAD); In silico analysis suggests that this missense variant does not alter protein structure/function; This variant is associated with the following publications: (PMID: 32962041, 29266188)

Blueprint Genetics
Classification: Uncertain significance. Last evaluated: 2024-10-03. Review status: criteria provided, single submitter. Criteria: ACMG Guidelines, 2015. Collection method: clinical testing. Allele origin: germline.